The following is an entry in ClinVar:

ClinVar aggregate classification (germline): Uncertain significance (1 of 4 stars; one submission).

Conditions:
Shprintzen-Goldberg syndrome (SGS). Also called: Marfanoid disorder with craniosynostosis type 1; Marfanoid craniosynostosis syndrome; Shprintzen-Goldberg marfanoid syndrome; SHPRINTZEN-GOLDBERG CRANIOSYNOSTOSIS SYNDROME; CRANIOSYNOSTOSIS WITH ARACHNODACTYLY AND ABDOMINAL HERNIAS. Identifiers: Orphanet 2462, MedGen C1321551, MONDO:0008426, OMIM 182212.

Submission:

Labcorp Genetics (formerly Invitae), Labcorp
Classification: Uncertain significance for Shprintzen-Goldberg syndrome. Last evaluated: 2024-05-31. Review status: criteria provided, single submitter. Criteria: Invitae Variant Classification Sherloc (09022015). Collection method: clinical testing. Allele origin: germline.
Comment: This sequence change replaces proline, which is neutral and non-polar, with serine, which is neutral and polar, at codon 82 of the SKI protein (p.Pro82Ser). This variant is not present in population databases (gnomAD no frequency). This variant has not been reported in the literature in individuals affected with SKI-related conditions. Advanced modeling of protein sequence and biophysical properties (such as structural, functional, and spatial information, amino acid conservation, physicochemical variation, residue mobility, and thermodynamic stability) has been performed at Invitae for this missense variant, however the output from this modeling did not meet the statistical confidence thresholds required to predict the impact of this variant on SKI protein function. In summary, the available evidence is currently insufficient to determine the role of this variant in disease. Therefore, it has been classified as a Variant of Uncertain Significance.

NM_003036.4(SKI):c.244C>T (p.Pro82Ser)

Gene: SKI (SKI proto-oncogene; plus strand). Cytogenetic location: 1p36.33.
Variant type: single nucleotide variant.
Coding change: c.244C>T on transcript NM_003036.4 (MANE Select); coding-DNA position 244, C replaced by T.
Protein change: p.Pro82Ser; replaces proline 82 with serine.
Molecular consequence: missense variant.
Genome position (GRCh38, 1-based): chr1:2,229,010, C>T. VCF-style: chr1-2229010-C-T. GRCh37 (hg19) VCF-style: chr1-2160449-C-T.
Other names: short protein forms P82S.
Identifiers: ClinVar variation 3693759 (VCV003693759.2).